The following is an entry in ClinVar:

ClinVar aggregate classification (germline): Uncertain significance. Review status: criteria provided, multiple submitters, no conflicts (2 of 4 stars). 2 submissions from 2 submitters: Uncertain significance (2). Last evaluated 2025-05-04.

Conditions:
Cardiovascular phenotype. Identifiers: MedGen CN230736.

Allele frequency attached by ClinVar (database versions not stated): ExAC 0.00001.
gnomAD v4.1: 2 of 1,613,858 alleles (0.00012%); highest among the groups gnomAD compares: Non-Finnish European, 0.00017%; no homozygotes.

Submissions (2):

Labcorp Genetics (formerly Invitae), Labcorp
Classification: Uncertain significance. Last evaluated: 2025-05-04. Review status: criteria provided, single submitter. Criteria: Invitae Variant Classification Sherloc (09022015). Collection method: clinical testing. Allele origin: germline.
Comment: This sequence change falls in intron 8 of the ALPK3 gene. It does not directly change the encoded amino acid sequence of the ALPK3 protein. It affects a nucleotide within the consensus splice site. This variant is not present in population databases (gnomAD no frequency). This variant has not been reported in the literature in individuals affected with ALPK3-related conditions. ClinVar contains an entry for this variant (Variation ID: 2130989). Variants that disrupt the consensus splice site are a relatively common cause of aberrant splicing (PMID: 17576681, 9536098). Algorithms developed to predict the effect of sequence changes on RNA splicing suggest that this variant is not likely to affect RNA splicing. In summary, the available evidence is currently insufficient to determine the role of this variant in disease. Therefore, it has been classified as a Variant of Uncertain Significance.

Ambry Genetics
Classification: Uncertain significance for Cardiovascular phenotype. Last evaluated: 2024-09-13. Review status: criteria provided, single submitter. Criteria: Ambry Variant Classification Scheme 2023. Collection method: clinical testing. Allele origin: germline.
Comment: The c.4699+4A>C intronic variant results from an A to C substitution 4 nucleotides after coding exon 8 in the ALPK3 gene. This nucleotide position is highly conserved in available vertebrate species. In silico splice site analysis predicts that this alteration may weaken the native splice donor site. Based on the available evidence, the clinical significance of this variant remains unclear.

Literature cited by the submitters: PubMed 17576681 (cited by Labcorp Genetics (formerly Invitae), Labcorp); PubMed 9536098 (cited by Labcorp Genetics (formerly Invitae), Labcorp).

NM_020778.5(ALPK3):c.4093+4A>C

Gene: ALPK3 (alpha kinase 3; plus strand). Cytogenetic location: 15q25.3.
Variant type: single nucleotide variant.
Coding change: c.4093+4A>C on transcript NM_020778.5 (MANE Select); 4 bases into the intron after coding-DNA position 4093, A replaced by C.
Molecular consequence: intron variant.
Genome position (GRCh38, 1-based): chr15:84,859,907, A>C. VCF-style: chr15-84859907-A-C. GRCh37 (hg19) VCF-style: chr15-85403138-A-C.
Other names: c.4699+4A>C (NM_020778.4).
Identifiers: ClinVar variation 2130989 (VCV002130989.5), dbSNP rs772549273, ClinGen allele CA7709833.
Genomic context (GRCh38, chr15:84,859,907, plus strand): 5'-GCACCATCCACAATGAGCACGGCTCGGCCTCCACCGACTTCTGCCTCAGCCCTGAGGGTG[A>C]GTGTGCCCCGCGGCCCGGGGTCTCAGCCTGGCCTGGCTCCTGGTGGGTGGGCAGCAGTCA-3'